The following is an entry in ClinVar:

ClinVar aggregate classification (germline): Uncertain significance. Review status: criteria provided, multiple submitters, no conflicts (2 of 4 stars). 6 submissions from 6 submitters: Uncertain significance (6). Last evaluated 2025-12-24.

Conditions:
Cardiovascular phenotype. Identifiers: MedGen CN230736.
Catecholaminergic polymorphic ventricular tachycardia (CVPT). Also called: Catecholamine-induced polymorphic ventricular tachycardia. Identifiers: Orphanet 3286, MedGen C5574922, MONDO:0017990.
Catecholaminergic polymorphic ventricular tachycardia 1. Also called: VENTRICULAR TACHYCARDIA, STRESS-INDUCED POLYMORPHIC 1; VENTRICULAR TACHYCARDIA, CATECHOLAMINERGIC POLYMORPHIC, 1, WITH OR WITHOUT ATRIAL DYSFUNCTION AND/OR DILATED CARDIOMYOPATHY; RYR2-Related Catecholaminergic Polymorphic Ventricular Tachycardia. Identifiers: Orphanet 3286, MedGen C1631597, MONDO:0011484, OMIM 604772.
Cardiomyopathy (CMYO). Also called: Cardiomyopathies. Identifiers: Orphanet 167848, MedGen C0878544, MONDO:0004994, HP:0001638. Inheritance: Various modes of inheritance.

Allele frequency attached by ClinVar (database versions not stated): ESP Exome Variant Server 0.00008.
gnomAD v4.1: 6 of 1,564,204 alleles (0.00038%); highest among the groups gnomAD compares: African/African-American, 0.0081%; no homozygotes.

Submissions (6):

Labcorp Genetics (formerly Invitae), Labcorp
Classification: Uncertain significance for Catecholaminergic polymorphic ventricular tachycardia 1. Last evaluated: 2025-12-24. Review status: criteria provided, single submitter. Criteria: Invitae Variant Classification Sherloc (09022015). Collection method: clinical testing. Allele origin: germline.
Comment: This sequence change replaces glycine, which is neutral and non-polar, with alanine, which is neutral and non-polar, at codon 1061 of the RYR2 protein (p.Gly1061Ala). This variant is present in population databases (rs373083911, gnomAD 0.01%). This variant has not been reported in the literature in individuals affected with RYR2-related conditions. ClinVar contains an entry for this variant (Variation ID: 1051243). Invitae Evidence Modeling of protein sequence and biophysical properties (such as structural, functional, and spatial information, amino acid conservation, physicochemical variation, residue mobility, and thermodynamic stability) indicates that this missense variant is expected to disrupt RYR2 protein function with a positive predictive value of 95%. In summary, the available evidence is currently insufficient to determine the role of this variant in disease. Therefore, it has been classified as a Variant of Uncertain Significance.

Ambry Genetics
Classification: Uncertain significance for Cardiovascular phenotype. Last evaluated: 2025-01-17. Review status: criteria provided, single submitter. Criteria: Ambry Variant Classification Scheme 2023. Collection method: clinical testing. Allele origin: germline.
Comment: The p.G1061A variant (also known as c.3182G>C), located in coding exon 27 of the RYR2 gene, results from a G to C substitution at nucleotide position 3182. The glycine at codon 1061 is replaced by alanine, an amino acid with similar properties. This amino acid position is highly conserved in available vertebrate species. In addition, the in silico prediction for this alteration is inconclusive. Since supporting evidence is limited at this time, the clinical significance of this alteration remains unclear.

Color Diagnostics, LLC DBA Color Health
Classification: Uncertain significance for Cardiomyopathy. Last evaluated: 2024-08-13. Review status: criteria provided, single submitter. Criteria: ACMG Guidelines, 2015. Collection method: clinical testing. Allele origin: germline.
Comment: This missense variant replaces glycine with alanine at codon 1061 of the RYR2 protein. Computational prediction is inconclusive regarding the impact of this variant on protein structure and function. To our knowledge, functional studies have not been reported for this variant. This variant has not been reported in individuals affected with RYR2-related disorders in the literature. This variant has been identified in 1/31402 chromosomes in the general population by the Genome Aggregation Database (gnomAD). The available evidence is insufficient to determine the role of this variant in disease conclusively. Therefore, this variant is classified as a Variant of Uncertain Significance.

All of Us Research Program, National Institutes of Health
Classification: Uncertain significance for Catecholaminergic polymorphic ventricular tachycardia. Last evaluated: 2023-08-15. Review status: criteria provided, single submitter. Criteria: ACMG Guidelines, 2015. Collection method: clinical testing. Allele origin: germline. Inheritance: Autosomal dominant inheritance. Observed: 2 variant alleles, 2 heterozygotes.
Comment: This study involves interpretation of variants in research participants for the purpose of population health screening. Participant phenotype was not available at the time of variant classification. Additional details can be found in publication PMID: 35346344, PMCID: PMC8962531

AiLife Diagnostics
Classification: Uncertain significance. Last evaluated: 2022-03-09. Review status: criteria provided, single submitter. Criteria: ACMG Guidelines, 2015. Collection method: clinical testing. Allele origin: germline. Affected: yes. Observed: 2 variant alleles.

GeneDx
Classification: Uncertain significance. Last evaluated: 2021-04-02. Review status: criteria provided, single submitter. Criteria: GeneDx Variant Classification Process June 2021. Collection method: clinical testing. Allele origin: germline. Affected: yes.
Comment: Has not been previously published as pathogenic or benign to our knowledge; Reported in ClinVar as a variant of uncertain significance (ClinVar Variant ID# 920259; Landrum et al., 2016); Not observed at a significant frequency in large population cohorts (Lek et al., 2016); In silico analysis supports that this missense variant has a deleterious effect on protein structure/function; Not located in one of the three hot-spot regions of the RYR2 gene, where the majority of pathogenic missense variants occur (Medeiros-Domingo et al., 2009)

NM_001035.3(RYR2):c.3182G>C (p.Gly1061Ala)

Gene: RYR2 (ryanodine receptor 2; plus strand). Cytogenetic location: 1q43.
Variant type: single nucleotide variant.
Coding change: c.3182G>C on transcript NM_001035.3 (MANE Select); coding-DNA position 3182, G replaced by C.
Protein change: p.Gly1061Ala; replaces glycine 1061 with alanine.
Molecular consequence: missense variant.
Genome position (GRCh38, 1-based): chr1:237,550,659, G>C. VCF-style: chr1-237550659-G-C. GRCh37 (hg19) VCF-style: chr1-237713959-G-C.
Other names: short protein forms G1061A.
Identifiers: ClinVar variation 1051243 (VCV001051243.14), dbSNP rs373083911, ClinGen allele CA39811663.